The following is an entry in ClinVar:

ClinVar aggregate classification (germline): Pathogenic (1 of 4 stars; one submission).

Conditions:
Very long chain acyl-CoA dehydrogenase deficiency (ACADVLD). Also called: VLCAD Deficiency; Very Long-Chain Acyl-Coenzyme A Dehydrogenase Deficiency. Identifiers: Orphanet 26793, MedGen C3887523, MONDO:0008723, OMIM 201475.

Submission:

Labcorp Genetics (formerly Invitae), Labcorp
Classification: Pathogenic for Very long chain acyl-CoA dehydrogenase deficiency. Last evaluated: 2023-02-21. Review status: criteria provided, single submitter. Criteria: Invitae Variant Classification Sherloc (09022015). Collection method: clinical testing. Allele origin: unknown.
Comment: A gross deletion of the genomic region encompassing the full coding sequence of the ACADVL gene has been identified. Loss-of-function variants in ACADVL are known to be pathogenic (PMID: 9973285, 11590124). The boundaries of this event are unknown as they extend beyond the assayed region for this gene and therefore may encompass additional genes. This variant has not been reported in the literature in individuals affected with ACADVL-related conditions. For these reasons, this variant has been classified as Pathogenic.

Literature cited by the submitters: PubMed 9973285; PubMed 11590124.

NC_000017.10:g.(?_7123304)_(7360042_?)del

Genes: SPEM2 (SPEM family member 2; plus strand), GPS2 (G protein pathway suppressor 2; minus strand), ACADVL (acyl-CoA dehydrogenase very long chain; plus strand), NEURL4 (neuralized E3 ubiquitin protein ligase 4; minus strand), CLDN7 (claudin 7; minus strand) and 20 more. Cytogenetic location: 17p13.1.
Variant type: Deletion.
Identifiers: ClinVar variation 3243103 (VCV003243103.1).